The following is an entry in ClinVar:

NM_001127208.3(TET2):c.3010A>G (p.Lys1004Glu)

Genes: TET2 (tet methylcytosine dioxygenase 2; plus strand), TET2-AS1 (TET2 antisense RNA 1; minus strand). Cytogenetic location: 4q24.
Variant type: single nucleotide variant.
Coding change: c.3010A>G on transcript NM_001127208.3 (MANE Select); coding-DNA position 3010, A replaced by G.
Protein change: p.Lys1004Glu; replaces lysine 1004 with glutamic acid.
Molecular consequence: missense variant.
Genome position (GRCh38, 1-based): chr4:105,236,952, A>G. VCF-style: chr4-105236952-A-G. GRCh37 (hg19) VCF-style: chr4-106158109-A-G.
Other names: c.3010A>G, p.Lys1004Glu (NM_017628.4); short protein forms K1004E.
Identifiers: ClinVar variation 3967697 (VCV003967697.1).
Genomic context (GRCh38, chr4:105,236,952, plus strand): 5'-GAACCTGGATGCAAGCCACATGCCTGTATGCACACAGCACCACCAGAAAACAAAACATGG[A>G]AAAAGGTAACTAAGCAAGAGAATCCACCTGCAAGCTGTGATAATGTGCAGCAAAAGAGCA-3'
Protein context (NP_001120680.1, residues 994-1014): HTAPPENKTW[Lys1004Glu]KVTKQENPPA

ClinVar aggregate classification (germline): Uncertain significance (1 of 4 stars; one submission).

gnomAD v4.1: 4 of 1,614,098 alleles (0.00025%); highest among the groups gnomAD compares: Admixed American, 0.0067%; no homozygotes.

Submission:

Ambry Genetics
Classification: Uncertain significance. Last evaluated: 2025-06-07. Review status: criteria provided, single submitter. Criteria: Ambry Variant Classification Scheme 2023. Collection method: clinical testing. Allele origin: germline.
Comment: The p.K1004E variant (also known as c.3010A>G), located in coding exon 1 of the TET2 gene, results from an A to G substitution at nucleotide position 3010. The lysine at codon 1004 is replaced by glutamic acid, an amino acid with similar properties. This amino acid position is conserved. In addition, this alteration is predicted to be tolerated by in silico analysis. Based on the available evidence, the clinical significance of this variant remains unclear.